The following is an entry in ClinVar:

ClinVar aggregate classification (germline): Uncertain significance. Review status: criteria provided, multiple submitters, no conflicts (2 of 4 stars). 4 submissions from 4 submitters: Uncertain significance (3). 1 of the submissions does not count toward it. Last evaluated 2025-11-15.

Conditions:
Myofibrillar myopathy 5. Also called: Filaminopathy (type); FILAMINOPATHY, AUTOSOMAL DOMINANT. Identifiers: Orphanet 171445, MedGen C1836050, MONDO:0012289, OMIM 609524.
Hypertrophic cardiomyopathy 26. Also called: Cardiomyopathy, familial hypertrophic, 26. Identifiers: Orphanet 75249, MedGen C4310749, MONDO:0014883, OMIM 617047.
Distal myopathy with posterior leg and anterior hand involvement. Also called: WILLIAMS DISTAL MYOPATHY. Identifiers: Orphanet 63273, MedGen C3279722, MONDO:0013550, OMIM 614065.
FLNC-related disorder. Also called: FLNC-related disorders; FLNC-related condition.
Cardiovascular phenotype. Identifiers: MedGen CN230736.

Allele frequency attached by ClinVar (database versions not stated): gnomAD exomes 0.00001 and 0.00002; ExAC 0.00002; 1000 Genomes Project 30x 0.00016; 1000 Genomes Project 0.00020; gnomAD 0.00005 and 0.00006; TOPMed 0.00009.
gnomAD v4.1: 35 of 1,611,646 alleles (0.0022%); highest among the groups gnomAD compares: Middle Eastern, 0.033%; no homozygotes.

Submissions (4):

Labcorp Genetics (formerly Invitae), Labcorp
Classification: Uncertain significance for Distal myopathy with posterior leg and anterior hand involvement; Myofibrillar myopathy 5; Hypertrophic cardiomyopathy 26. Last evaluated: 2025-11-15. Review status: criteria provided, single submitter. Criteria: Invitae Variant Classification Sherloc (09022015). Collection method: clinical testing. Allele origin: germline.
Comment: This sequence change replaces glycine, which is neutral and non-polar, with serine, which is neutral and polar, at codon 1264 of the FLNC protein (p.Gly1264Ser). This variant also falls at the last nucleotide of exon 21, which is part of the consensus splice site for this exon. This variant is present in population databases (rs201335143, gnomAD 0.003%). This variant has not been reported in the literature in individuals affected with FLNC-related conditions. ClinVar contains an entry for this variant (Variation ID: 539397). An algorithm developed to predict the effect of missense changes on protein structure and function (PolyPhen-2) suggests that this variant is likely to be disruptive. Variants that disrupt the consensus splice site are a relatively common cause of aberrant splicing (PMID: 17576681, 9536098). Algorithms developed to predict the effect of sequence changes on RNA splicing suggest that this variant may disrupt the consensus splice site. In summary, the available evidence is currently insufficient to determine the role of this variant in disease. Therefore, it has been classified as a Variant of Uncertain Significance.

Ambry Genetics
Classification: Uncertain significance for Cardiovascular phenotype. Last evaluated: 2024-11-26. Review status: criteria provided, single submitter. Criteria: Ambry Variant Classification Scheme 2023. Collection method: clinical testing. Allele origin: germline.
Comment: The p.G1264S variant (also known as c.3790G>A), located in coding exon 21 of the FLNC gene, results from a G to A substitution at nucleotide position 3790. The glycine at codon 1264 is replaced by serine, an amino acid with similar properties. However, this change occurs in the last base pair of coding exon 21 and may have some effect on normal mRNA splicing. This nucleotide position is highly conserved in available vertebrate species. In silico splice site analysis predicts that this alteration may result in the creation or strengthening of a novel splice donor site. This amino acid position is highly conserved in available vertebrate species. In addition, as a missense substitution this alteration is predicted to be tolerated by in silico analysis. Since supporting evidence is limited at this time, the clinical significance of this alteration remains unclear.

Victorian Clinical Genetics Services, Murdoch Childrens Research Institute
Classification: Uncertain significance for Hypertrophic cardiomyopathy 26. Last evaluated: 2023-07-17. Review status: criteria provided, single submitter. Criteria: ACMG Guidelines, 2015. Collection method: clinical testing. Allele origin: germline. Inheritance: Autosomal dominant inheritance. Affected: yes.
Comment: Based on the classification scheme VCGS_Germline_v1.3.4, this variant is classified as VUS-3B. Following criteria are met: 0103 - Loss of function and gain of function are known mechanisms of disease in this gene. Loss of function is the established mechanism of disease for variants in dilated cardiomyopathy (PMID: 32112656), familial hypertrophic cardiomyopathy 26 (MIM#617047), familial restrictive cardiomyopathy 5 (MIM#617047) and myofibrillar myopathy 5 (MIM#609524), and recently has been associated with arrhythmogenic right ventricular cardiomyopathy (MONDO#0016587; PMID: 31627847). In distal myopathy 4 (MIM#614065), NMD-predicted variants cause a loss of function; however, missense variants have been shown to result in a toxic gain of function (PMID: 32112656). (I) 0107 - This gene is associated with autosomal dominant disease. Variants located throughout the gene that are predicted to result in nonsense-mediated decay (NMD) are enriched in dilated cardiomyopathy, whereas missense variants in the ROD2 domain are enriched in familial hypertrophic cardiomyopathy 26 and familial restrictive cardiomyopathy 5 (MIM#617047). Additionally, myofibrillar myopathy 5 (MIM#609524) is known to result from either missense variants in the ROD2 domain or truncating variants in the Ig-like domain 24, while missense variants in the actin-binding domain and NMD-predicted variants located in the Ig-like domain 15 and have been reported for distal myopathy 4 (MIM#614065) (PMID: 32112656). (I) 0115 - Variants in this gene are known to have variable expressivity. Variable expressivity has been reported for arrhythmogenic right ventricular cardiomyopathy (PMID: 31627847). (I) 0200 - Variant is predicted to result in a missense amino acid change from glycine to serine. (I) 0251 - This variant is heterozygous. (I) 0302 - Variant is present in gnomAD (v3 non-v2) <0.001 for a dominant condition (8 heterozygotes, 0 homozygotes). (SP) 0501 - Missense variant consistently predicted to be damaging by multiple in silico tools or highly conserved with a major amino acid change. (SP) 0600 - Variant is located in the annotated filamin/ABP280 repeat domain (DECIPHER). (I) 0710 - Another missense variant comparable to the one identified in this case has inconclusive previous evidence for pathogenicity. The p.(Gly1264Ala) variant was reported by Puckelwartz M.J. et al. (2021) and classified as a 'suspicious' VUS; however, it is unclear if the variant was identified in a DCM or HCM individual (PMID: 33764162). In should also be noted that the p.(Gly1264Cys) variant which has a higher Grantham score has been classified as a VUS by clinical diagnostic laboratories (ClinVar). (I) 0809 - Previous evidence of pathogenicity for this variant is inconclusive. This variant has been classified once as a VUS by one clinical diagnostic laboratory (ClinVar). (I) 0905 - No published segregation evidence has been identified for this variant. (I) 1007 - No published functional evidence has been identified for this variant. (I) 1208 - Inheritance information for this variant is not currently available in this individual. (I) Legend: (SP) - Supporting pathogenic, (I) - Information, (SB) - Supporting benign

PreventionGenetics, part of Exact Sciences
Classification: Uncertain significance for FLNC-related condition. Last evaluated: 2024-05-08. Review status: no assertion criteria provided. Collection method: clinical testing. Allele origin: germline. Not counted in ClinVar's aggregate classification.
Comment: The FLNC c.3790G>A variant is predicted to result in the amino acid substitution p.Gly1264Ser. The c.3790G nucleotide is the last nucleotide of exon 21 and the c.3790G>A variant is predicted to impact splicing at the adjacent splice donor site (SpliceAI, Jaganathan et al. 2019. PubMed ID: 30661751). However, such computer predictions are not equivalent to functional evidence. To our knowledge, this variant has not been reported in the literature. This variant is reported in 0.0033% of alleles in individuals of South Asian descent in gnomAD. At this time, the clinical significance of this variant is uncertain due to the absence of conclusive functional and genetic evidence.

Literature cited by the submitters: PubMed 17576681 (cited by Labcorp Genetics (formerly Invitae), Labcorp); PubMed 9536098 (cited by Labcorp Genetics (formerly Invitae), Labcorp); PubMed 38689299 (cited by Ambry Genetics); PubMed 31627847 (cited by Victorian Clinical Genetics Services, Murdoch Childrens Research Institute); PubMed 32112656 (cited by Victorian Clinical Genetics Services, Murdoch Childrens Research Institute); PubMed 33764162 (cited by Victorian Clinical Genetics Services, Murdoch Childrens Research Institute).

NM_001458.5(FLNC):c.3790G>A (p.Gly1264Ser)

Gene: FLNC (filamin C; plus strand). Cytogenetic location: 7q32.1.
Variant type: single nucleotide variant.
Coding change: c.3790G>A on transcript NM_001458.5 (MANE Select); coding-DNA position 3790, G replaced by A.
Protein change: p.Gly1264Ser; replaces glycine 1264 with serine.
Molecular consequence: missense variant.
Genome position (GRCh38, 1-based): chr7:128,845,255, G>A. VCF-style: chr7-128845255-G-A. GRCh37 (hg19) VCF-style: chr7-128485309-G-A.
Other names: c.3790G>A, p.Gly1264Ser (NM_001127487.2); short protein forms G1264S.
Identifiers: ClinVar variation 539397 (VCV000539397.12), dbSNP rs201335143, ClinGen allele CA4475125.